The following is an entry in ClinVar:

NM_000482.4(APOA4):c.480C>T (p.Tyr160=)

Gene: APOA4 (apolipoprotein A4; minus strand). Cytogenetic location: 11q23.3.
Variant type: single nucleotide variant.
Coding change: c.480C>T on transcript NM_000482.4 (MANE Select); coding-DNA position 480, C replaced by T.
Protein change: p.Tyr160=; no amino-acid change (tyrosine 160 retained).
Molecular consequence: synonymous variant.
Genome position (GRCh38, 1-based): chr11:116,821,578, G>A on the plus strand (C>T on the coding strand, the complement: APOA4 is on the minus strand). VCF-style: chr11-116821578-G-A. GRCh37 (hg19) VCF-style: chr11-116692294-G-A.
Identifiers: ClinVar variation 2642397 (VCV002642397.26), dbSNP rs538954345, ClinGen allele CA6289410.

ClinVar aggregate classification (germline): Likely benign. Review status: criteria provided, multiple submitters, no conflicts (2 of 4 stars). 2 submissions from 2 submitters: Likely benign (2). Last evaluated 2025-12-24.

Allele frequency attached by ClinVar (database versions not stated): 1000 Genomes Project 30x 0.00031; 1000 Genomes Project 0.00040.

Submissions (2):

Labcorp Genetics (formerly Invitae), Labcorp
Classification: Likely benign. Last evaluated: 2025-12-24. Review status: criteria provided, single submitter. Criteria: Invitae Variant Classification Sherloc (09022015). Collection method: clinical testing. Allele origin: germline.

CeGaT Center for Human Genetics Tuebingen
Classification: Likely benign. Last evaluated: 2022-10-01. Review status: criteria provided, single submitter. Criteria: CeGaT Center For Human Genetics Tuebingen Variant Classification Criteria Version 2. Collection method: clinical testing. Allele origin: germline. Affected: yes. Observed: 1 variant allele.
Comment: APOA4: BP4, BP7